The following is an entry in ClinVar:

ClinVar aggregate classification (germline): Benign/Likely benign. Review status: criteria provided, multiple submitters, no conflicts (2 of 4 stars). 2 submissions from 2 submitters: Benign (1); Likely benign (1). Last evaluated 2025-03-05.

Conditions:
Palmoplantar keratoderma, epidermolytic. Also called: Localized epidermolytic hyperkeratosis. Identifiers: MedGen C1721006, MONDO:0968949, HP:0007559.

Allele frequency attached by ClinVar (database versions not stated): ESP Exome Variant Server 0.00023; gnomAD 0.00026 and 0.00072; TOPMed 0.00036; 1000 Genomes Project 30x 0.00234; 1000 Genomes Project 0.00240.
gnomAD v4.1: 1,571 of 1,612,426 alleles (0.097%); highest among the groups gnomAD compares: South Asian, 1.3%; 29 homozygotes.

Submissions (2):

Labcorp Genetics (formerly Invitae), Labcorp
Classification: Benign. Last evaluated: 2025-03-05. Review status: criteria provided, single submitter. Criteria: Invitae Variant Classification Sherloc (09022015). Collection method: clinical testing. Allele origin: germline.

Illumina Laboratory Services, Illumina
Classification: Likely benign for Epidermolytic palmoplantar keratoderma, 1. Last evaluated: 2018-01-12. Review status: criteria provided, single submitter. Criteria: ICSL Variant Classification Criteria 13 December 2019. Collection method: clinical testing. Allele origin: germline.
Comment: This variant was observed in the ICSL laboratory as part of a predisposition screen in an ostensibly healthy population. It had not been previously curated by ICSL or reported in the Human Gene Mutation Database (HGMD: prior to June 1st, 2018), and was therefore a candidate for classification through an automated scoring system. Utilizing variant allele frequency, disease prevalence and penetrance estimates, and inheritance mode, an automated score was calculated to assess if this variant is too frequent to cause the disease. Based on the score and internal cut-off values, a variant classified as likely benign is not then subjected to further curation. The score for this variant resulted in a classification of likely benign for this disease.

NM_000226.4(KRT9):c.222C>T (p.Gly74=)

Gene: KRT9 (keratin 9; minus strand). Cytogenetic location: 17q21.2.
Variant type: single nucleotide variant.
Coding change: c.222C>T on transcript NM_000226.4 (MANE Select); coding-DNA position 222, C replaced by T.
Protein change: p.Gly74=; no amino-acid change (glycine 74 retained).
Molecular consequence: synonymous variant.
Genome position (GRCh38, 1-based): chr17:41,571,771, G>A on the plus strand (C>T on the coding strand, the complement: KRT9 is on the minus strand). VCF-style: chr17-41571771-G-A. GRCh37 (hg19) VCF-style: chr17-39728023-G-A.
Identifiers: ClinVar variation 323140 (VCV000323140.13), dbSNP rs114665757, ClinGen allele CA8562289.
Genomic context (GRCh38, chr17:41,571,771, plus strand): 5'-GGAACCACCCCCAAAGCCACCGCCTAAACTACTGGCACTAAAACCACCCCCAGATCCTCC[G>A]CCGTAGCTGTAGCCAAAACTGCCACCGCCTCCCCTCCCACAGACACGAGAGCTTCCCCCA-3'
Protein context (NP_000217.2, residues 64-84): GGGGSFGYSY[Gly74=]GGSGGGFSAS